The following is an entry in ClinVar:

ClinVar aggregate classification (germline): Pathogenic (1 of 4 stars; one submission).

Conditions:
VPS13A-related neurodegenerative disease. Also called: ACANTHOCYTOSIS WITH NEUROLOGIC DISORDER; LEVINE-CRITCHLEY SYNDROME; Choreoacanthocytosis; Chorea-acanthocytosis; Choreaacanthocytosis; VPS13A Disease. Identifiers: Orphanet 2388, MedGen C0393576, MONDO:0008695, OMIM 200150.

Submission:

Myriad Genetics, Inc.
Classification: Pathogenic for VPS13A-related neurodegenerative disease. Last evaluated: 2026-01-21. Review status: criteria provided, single submitter. Criteria: Myriad Autosomal Dominant, Autosomal Recessive and X-Linked Classification Criteria (2023). Collection method: clinical testing. Allele origin: unknown.
Comment: NM_033305.2(VPS13A):c.8420dupT(L2807Ffs*18) is expected to be pathogenic in the context of VPS13A disease. This variant is predicted to lead to an abnormal or absent protein product due to the creation of a premature termination codon in VPS13A, a gene where loss-of-function variants are known to be pathogenic. Please note: this variant was assessed in the context of healthy population screening.

NM_033305.3(VPS13A):c.8420dup (p.Leu2807fs)

Gene: VPS13A (vacuolar protein sorting 13 homolog A; plus strand). Cytogenetic location: 9q21.2.
Variant type: Duplication.
Coding change: c.8420dup on transcript NM_033305.3 (MANE Select); coding-DNA position 8420, one base duplicated (T; older notation c.8420dupT).
Protein change: p.Leu2807fs; shifts the reading frame from leucine 2807.
Molecular consequence: frameshift variant.
Genome position (GRCh38, 1-based): chr9:77,366,821, T duplicated; the last of 4 consecutive T bases (chr9:77,366,818-77,366,821); duplicating any one gives the same sequence. VCF-style (leftmost placement, unchanged base first): chr9-77366817-C-CT. GRCh37 (hg19) VCF-style: chr9-79981733-C-CT.
Other names: c.8303dup, p.Leu2768fs (NM_001018037.2); c.8420dup, p.Leu2807fs (NM_001018038.3, NM_015186.4); short protein forms L2768fs, L2807fs.
Identifiers: ClinVar variation 5015458 (VCV005015458.1).